The following is an entry in ClinVar:

NM_138352.3(SAMD1):c.77C>T (p.Ala26Val)

Genes: SAMD1 (sterile alpha motif domain containing 1; minus strand), LOC130063760 (ATAC-STARR-seq lymphoblastoid silent region 10229; plus strand). Cytogenetic location: 19p13.12.
Variant type: single nucleotide variant.
Coding change: c.77C>T on transcript NM_138352.3 (MANE Select); coding-DNA position 77, C replaced by T.
Protein change: p.Ala26Val; replaces alanine 26 with valine.
Molecular consequence: missense variant.
Genome position (GRCh38, 1-based): chr19:14,090,344, G>A on the plus strand (C>T on the coding strand, the complement: SAMD1 is on the minus strand). VCF-style: chr19-14090344-G-A. GRCh37 (hg19) VCF-style: chr19-14201156-G-A.
Other names: short protein forms A26V.
Identifiers: ClinVar variation 3436919 (VCV003436919.1).

ClinVar aggregate classification (germline): Uncertain significance (1 of 4 stars; one submission).

Submission:

Ambry Genetics
Classification: Uncertain significance. Last evaluated: 2024-10-08. Review status: criteria provided, single submitter. Criteria: Ambry Variant Classification Scheme 2023. Collection method: clinical testing. Allele origin: germline.
Comment: The c.77C>T (p.A26V) alteration is located in exon (coding exon ) of the SAMD1 gene. This alteration results from a C to T substitution at nucleotide position 77, causing the alanine (A) at amino acid position 26 to be replaced by a valine (V). Based on insufficient or conflicting evidence, the clinical significance of this alteration remains unclear.